The following is an entry in ClinVar:

NM_001184900.3(CARD8):c.917C>G (p.Ala306Gly)

Gene: CARD8 (caspase recruitment domain family member 8; minus strand). Cytogenetic location: 19q13.33.
Variant type: single nucleotide variant.
Coding change: c.917C>G on transcript NM_001184900.3 (MANE Select); coding-DNA position 917, C replaced by G.
Protein change: p.Ala306Gly; replaces alanine 306 with glycine.
Molecular consequence: missense variant. On other transcripts: non-coding transcript variant (4).
Genome position (GRCh38, 1-based): chr19:48,230,556, G>C on the plus strand (C>G on the coding strand, the complement: CARD8 is on the minus strand). VCF-style: chr19-48230556-G-C. GRCh37 (hg19) VCF-style: chr19-48733813-G-C.
Other names: c.767C>G, p.Ala256Gly (NM_001184901.1, NM_001351783.2, NM_001351788.2 and 2 more transcripts); c.917C>G, p.Ala306Gly (NM_001184902.2, NM_001184903.1, NM_001351782.2); c.602C>G, p.Ala201Gly (NM_001351784.2, NM_001351787.2, NM_001351791.2 and 1 more transcripts); c.581C>G, p.Ala194Gly (NM_001351786.2); c.674C>G, p.Ala225Gly (NM_001351790.2); c.599C>G, p.Ala200Gly (NM_001365950.1); short protein forms A194G, A200G, A201G, A225G, A256G, A306G.
Identifiers: ClinVar variation 4809977 (VCV004809977.1).

ClinVar aggregate classification (germline): Uncertain significance (1 of 4 stars; one submission).

Submission:

Labcorp Genetics (formerly Invitae), Labcorp
Classification: Uncertain significance. Last evaluated: 2025-03-29. Review status: criteria provided, single submitter. Criteria: Invitae Variant Classification Sherloc (09022015). Collection method: clinical testing. Allele origin: germline.
Comment: This sequence change replaces alanine, which is neutral and non-polar, with glycine, which is neutral and non-polar, at codon 256 of the CARD8 protein (p.Ala256Gly). This variant is not present in population databases (gnomAD no frequency). This variant has not been reported in the literature in individuals affected with CARD8-related conditions. An algorithm developed to predict the effect of missense changes on protein structure and function (PolyPhen-2) suggests that this variant is likely to be disruptive. In summary, the available evidence is currently insufficient to determine the role of this variant in disease. Therefore, it has been classified as a Variant of Uncertain Significance.